The following is an entry in ClinVar:

ClinVar aggregate classification (germline): Uncertain significance (1 of 4 stars; one submission).

Conditions:
Inborn genetic diseases. Identifiers: MedGen C0950123, MeSH D030342.

gnomAD v4.1: 5 of 1,613,438 alleles (0.00031%); highest among the groups gnomAD compares: Admixed American, 0.0017%; no homozygotes.

Submission:

Ambry Genetics
Classification: Uncertain significance for Inborn genetic diseases. Last evaluated: 2025-11-08. Review status: criteria provided, single submitter. Criteria: Ambry Variant Classification Scheme 2023. Collection method: clinical testing. Allele origin: germline.
Comment: The c.8566G>A (p.E2856K) alteration is located in exon 28 (coding exon 28) of the REV3L gene. This alteration results from a G to A substitution at nucleotide position 8566, causing the glutamic acid (E) at amino acid position 2856 to be replaced by a lysine (K). Based on data from gnomAD, the A allele has an overall frequency of <0.001% (1/250796) total alleles studied. The highest observed frequency was 0.001% (1/113534) of European (non-Finnish) alleles. Based on insufficient or conflicting evidence, the clinical significance of this alteration remains unclear.

NM_001372078.1(REV3L):c.8566G>A (p.Glu2856Lys)

Gene: REV3L (REV3 like, DNA directed polymerase zeta catalytic subunit; minus strand). Cytogenetic location: 6q21.
Variant type: single nucleotide variant.
Coding change: c.8566G>A on transcript NM_001372078.1 (MANE Select); coding-DNA position 8566, G replaced by A.
Protein change: p.Glu2856Lys; replaces glutamic acid 2856 with lysine.
Molecular consequence: missense variant.
Genome position (GRCh38, 1-based): chr6:111,313,390, C>T on the plus strand (G>A on the coding strand, the complement: REV3L is on the minus strand). VCF-style: chr6-111313390-C-T. GRCh37 (hg19) VCF-style: chr6-111634593-C-T.
Other names: c.8332G>A, p.Glu2778Lys (NM_001286431.2, NM_001286432.2); c.8566G>A, p.Glu2856Lys (NM_002912.5); short protein forms E2856K, E2778K.
Identifiers: ClinVar variation 4629073 (VCV004629073.1).
Genomic context (GRCh38, chr6:111,313,390, plus strand): 5'-AGACAAGATAGATAAACCTTACCTTAGAAACAGCAGGGCAGGAATCTCTTCTGACTGTTT[C>T]TATTCCTTTTGCATCAAATACTGGGTCCTTCTGATCCAGTGTTTCATACATGTAACCCAC-3'
Protein context (NP_001359007.1, residues 2846-2866): KDPVFDAKGI[Glu2856Lys]TVRRDSCPAV